The following is an entry in ClinVar:

ClinVar aggregate classification (germline): Uncertain significance (1 of 4 stars; one submission).

Conditions:
Muscular dystrophy-dystroglycanopathy (congenital with impaired intellectual development), type B, 2. Also called: Muscular dystrophy-dystroglycanopathy (congenital with intellectual disability), type B2; MUSCULAR DYSTROPHY, CONGENITAL, POMT2-RELATED. Identifiers: MedGen C3150416, MONDO:0013160, OMIM 613156.
Autosomal recessive limb-girdle muscular dystrophy type 2N. Also called: Muscular dystrophy-dystroglycanopathy (limb-girdle), type C, 2; MUSCULAR DYSTROPHY-DYSTROGLYCANOPATHY, LIMB-GIRDLE, POMT2-RELATED. Identifiers: Orphanet 206559, MedGen C3150418, MONDO:0013162, OMIM 613158.
Muscular dystrophy-dystroglycanopathy (congenital with brain and eye anomalies), type A2. Also called: MUSCULAR DYSTROPHY-DYSTROGLYCANOPATHY (CONGENITAL WITH BRAIN AND EYE ANOMALIES), TYPE A, 2; WALKER-WARBURG SYNDROME OR MUSCLE-EYE-BRAIN DISEASE, POMT2-RELATED. Identifiers: Orphanet 588, Orphanet 899, MedGen C3150411, MONDO:0013154, OMIM 613150.

Submission:

Labcorp Genetics (formerly Invitae), Labcorp
Classification: Uncertain significance for Muscular dystrophy-dystroglycanopathy (congenital with impaired intellectual development), type B, 2; Muscular dystrophy-dystroglycanopathy (congenital with brain and eye anomalies), type A2; Autosomal recessive limb-girdle muscular dystrophy type 2N. Last evaluated: 2022-08-22. Review status: criteria provided, single submitter. Criteria: Invitae Variant Classification Sherloc (09022015). Collection method: clinical testing. Allele origin: germline.
Comment: In summary, the available evidence is currently insufficient to determine the role of this variant in disease. Therefore, it has been classified as a Variant of Uncertain Significance. Algorithms developed to predict the effect of missense changes on protein structure and function (SIFT, PolyPhen-2, Align-GVGD) all suggest that this variant is likely to be tolerated. This variant has not been reported in the literature in individuals affected with POMT2-related conditions. This variant is not present in population databases (gnomAD no frequency). This sequence change replaces alanine, which is neutral and non-polar, with serine, which is neutral and polar, at codon 159 of the POMT2 protein (p.Ala159Ser).

NM_013382.7(POMT2):c.475G>T (p.Ala159Ser)

Gene: POMT2 (protein O-mannosyltransferase 2; minus strand). Cytogenetic location: 14q24.3.
Variant type: single nucleotide variant.
Coding change: c.475G>T on transcript NM_013382.7 (MANE Select); coding-DNA position 475, G replaced by T.
Protein change: p.Ala159Ser; replaces alanine 159 with serine.
Molecular consequence: missense variant.
Genome position (GRCh38, 1-based): chr14:77,304,764, C>A on the plus strand (G>T on the coding strand, the complement: POMT2 is on the minus strand). VCF-style: chr14-77304764-C-A. GRCh37 (hg19) VCF-style: chr14-77771107-C-A.
Other names: short protein forms A159S.
Identifiers: ClinVar variation 1717566 (VCV001717566.6), dbSNP rs2503298891, ClinGen allele CA390520813.
Genomic context (GRCh38, chr14:77,304,764, plus strand): 5'-GGGCAGCTGTGAGCAGTGCTGCCGAGAGGGACTTGGACAGATCCAGTACAGTGAGGTAGG[C>A]AAAGGGGACCAGCCAGGAGCCAAGGAATGCACAGAACTGTGGGAGGAATAGAGAAGCTGT-3'
Protein context (NP_037514.2, residues 149-169): AFLGSWLVPF[Ala159Ser]YLTVLDLSKS